The following is an entry in ClinVar:

ClinVar aggregate classification (germline): Uncertain significance. Review status: criteria provided, multiple submitters, no conflicts (2 of 4 stars). 2 submissions from 2 submitters: Uncertain significance (2). Last evaluated 2025-11-05.

Conditions:
Hereditary cancer-predisposing syndrome. Also called: Hereditary neoplastic syndrome; Neoplastic Syndromes, Hereditary; Hereditary Cancer Syndrome; Tumor predisposition. Identifiers: Orphanet 140162, MedGen C0027672, MeSH D009386, MONDO:0015356.
Pheochromocytoma. Also called: MAX-Related Hereditary Paraganglioma-Pheochromocytoma Syndrome. Identifiers: Orphanet 29072, MedGen C0031511, MONDO:0008233, OMIM 171300, HP:0002666.
Gastrointestinal stromal tumor. Also called: Gastrointestinal stromal tumor, somatic; Gastrointestinal stroma tumor. Identifiers: Orphanet 44890, MedGen C0238198, MeSH D046152, MONDO:0011719, OMIM 606764, HP:0100723.
Pheochromocytoma/paraganglioma syndrome 4. Also called: SDHB-Related Hereditary Paraganglioma-Pheochromocytoma Syndrome; PARAGANGLIOMA, FAMILIAL MALIGNANT; PARAGANGLIOMAS, HEREDITARY EXTRAADRENAL; PHEOCHROMOCYTOMA, FAMILIAL EXTRAADRENAL; Paragangliomas 4; CAROTID BODY TUMORS AND MULTIPLE EXTRAADRENAL PHEOCHROMOCYTOMAS. Identifiers: Orphanet 29072, MedGen C1861848, MONDO:0007273, OMIM 115310.

Allele frequency attached by ClinVar (database versions not stated): gnomAD exomes 0.00001; ExAC 0.00002.

Submissions (2):

Labcorp Genetics (formerly Invitae), Labcorp
Classification: Uncertain significance for Gastrointestinal stromal tumor; Pheochromocytoma/paraganglioma syndrome 4; Pheochromocytoma. Last evaluated: 2025-11-05. Review status: criteria provided, single submitter. Criteria: Invitae Variant Classification Sherloc (09022015). Collection method: clinical testing. Allele origin: germline.
Comment: This sequence change replaces threonine, which is neutral and polar, with asparagine, which is neutral and polar, at codon 119 of the SDHB protein (p.Thr119Asn). This variant is present in population databases (rs11541234, gnomAD 0.002%). This variant has not been reported in the literature in individuals affected with SDHB-related conditions. ClinVar contains an entry for this variant (Variation ID: 572063). Invitae Evidence Modeling of protein sequence and biophysical properties (such as structural, functional, and spatial information, amino acid conservation, physicochemical variation, residue mobility, and thermodynamic stability) indicates that this missense variant is not expected to disrupt SDHB protein function with a negative predictive value of 80%. In summary, the available evidence is currently insufficient to determine the role of this variant in disease. Therefore, it has been classified as a Variant of Uncertain Significance.

Ambry Genetics
Classification: Uncertain significance for Hereditary cancer-predisposing syndrome. Last evaluated: 2024-08-30. Review status: criteria provided, single submitter. Criteria: Ambry Variant Classification Scheme 2023. Collection method: clinical testing. Allele origin: germline.
Comment: The p.T119N variant (also known as c.356C>A), located in coding exon 4 of the SDHB gene, results from a C to A substitution at nucleotide position 356. The threonine at codon 119 is replaced by asparagine, an amino acid with similar properties. This amino acid position is not well conserved in available vertebrate species. In addition, the in silico prediction for this alteration is inconclusive. Based on the available evidence, the clinical significance of this variant remains unclear.

NM_003000.3(SDHB):c.356C>A (p.Thr119Asn)

Gene: SDHB (succinate dehydrogenase complex iron sulfur subunit B; minus strand). Cytogenetic location: 1p36.13.
Variant type: single nucleotide variant.
Coding change: c.356C>A on transcript NM_003000.3 (MANE Select); coding-DNA position 356, C replaced by A.
Protein change: p.Thr119Asn; replaces threonine 119 with asparagine.
Molecular consequence: missense variant.
Genome position (GRCh38, 1-based): chr1:17,028,667, G>T on the plus strand (C>A on the coding strand, the complement: SDHB is on the minus strand). VCF-style: chr1-17028667-G-T. GRCh37 (hg19) VCF-style: chr1-17355162-G-T.
Other names: short protein forms T119N.
Identifiers: ClinVar variation 572063 (VCV000572063.7), dbSNP rs11541234, ClinGen allele CA089596.
Genomic context (GRCh38, chr1:17,028,667, plus strand): 5'-AGATCCTTTATCACATACATGTGTGGAAGAGGGTAGATTTTTGAGACCTTATTGAGGTTG[G>T]TGTCAATCCTTCGGGTGCAAGCTAGAGTGTTGCCTCCATTGATGTTCATTGCACAAGAGC-3'
Protein context (NP_002991.2, residues 109-129): NTLACTRRID[Thr119Asn]NLNKVSKIYP